The following is an entry in ClinVar:

NM_000219.6(KCNE1):c.196A>C (p.Ile66Leu)

Gene: KCNE1 (potassium voltage-gated channel subfamily E regulatory subunit 1; minus strand). Cytogenetic location: 21q22.12.
Variant type: single nucleotide variant.
Coding change: c.196A>C on transcript NM_000219.6 (MANE Select); coding-DNA position 196, A replaced by C.
Protein change: p.Ile66Leu; replaces isoleucine 66 with leucine.
Molecular consequence: missense variant.
Genome position (GRCh38, 1-based): chr21:34,449,439, T>G on the plus strand (A>C on the coding strand, the complement: KCNE1 is on the minus strand). VCF-style: chr21-34449439-T-G. GRCh37 (hg19) VCF-style: chr21-35821737-T-G.
Other names: c.196A>C, p.Ile66Leu (NM_001127668.4, NM_001127669.4, NM_001127670.4 and 4 more transcripts); short protein forms I66L.
Identifiers: ClinVar variation 3230642 (VCV003230642.3), dbSNP rs2516763737, ClinGen allele CA410198290.
Genomic context (GRCh38, chr21:34,449,439, plus strand): 5'-CATCGGACTCGATGTAGACGTTGAATGGGTCGTTCGAGTGCTCCAGCTTCTTGGAGCGGA[T>G]GTAGCTCAGCATGATGCCCAGGGTGAAGAAGCCGAAGAATCCCAGTACCATGAGGACGTA-3'
Protein context (NP_000210.2, residues 56-76): FFTLGIMLSY[Ile66Leu]RSKKLEHSND

ClinVar aggregate classification (germline): Uncertain significance (1 of 4 stars; one submission).

Conditions:
Cardiovascular phenotype. Identifiers: MedGen CN230736.

Submissions (2):

Ambry Genetics
Classification: Uncertain significance for Cardiovascular phenotype. Last evaluated: 2023-12-10. Review status: criteria provided, single submitter. Criteria: Ambry Variant Classification Scheme 2023. Collection method: clinical testing. Allele origin: germline.
Comment: The p.I66L variant (also known as c.196A>C), located in coding exon 1 of the KCNE1 gene, results from an A to C substitution at nucleotide position 196. The isoleucine at codon 66 is replaced by leucine, an amino acid with highly similar properties. This amino acid position is conserved. In addition, the in silico prediction for this alteration is inconclusive. Since supporting evidence is limited at this time, the clinical significance of this alteration remains unclear.

Roden Lab, Vanderbilt University Medical Center
No classification provided (evidence only). Condition: Long QT syndrome 5. Review status: no classification provided. Collection method: in vitro. Allele origin: not applicable. Functional consequence: Effect on ion channel function. Not counted in ClinVar's aggregate classification.
ClinVar note: "not provided" was previously submitted as the classification for the variant. However, the classification appeared to be based only on an observation of functional data so it was converted to no classification on 2025-07-30.